The following is an entry in ClinVar:

ClinVar aggregate classification (germline): Pathogenic/Likely pathogenic. Review status: criteria provided, multiple submitters, no conflicts (2 of 4 stars). 2 submissions from 2 submitters: Pathogenic (1); Likely pathogenic (1). Last evaluated 2024-07-03.

Conditions:
Primary ciliary dyskinesia 3. Identifiers: Orphanet 244, MedGen C1837618, MONDO:0012085, OMIM 608644.
Primary ciliary dyskinesia. Also called: Ciliary dyskinesia. Identifiers: Orphanet 244, MedGen C0008780, MONDO:0016575, HP:0012265.

Allele frequency attached by ClinVar (database versions not stated): TOPMed below 0.00001.

Submissions (2):

Labcorp Genetics (formerly Invitae), Labcorp
Classification: Pathogenic for Primary ciliary dyskinesia. Last evaluated: 2024-07-03. Review status: criteria provided, single submitter. Criteria: Invitae Variant Classification Sherloc (09022015). Collection method: clinical testing. Allele origin: germline.
Comment: This sequence change creates a premature translational stop signal (p.Tyr2000*) in the DNAH5 gene. It is expected to result in an absent or disrupted protein product. Loss-of-function variants in DNAH5 are known to be pathogenic (PMID: 11788826, 16627867). This variant is not present in population databases (gnomAD no frequency). This premature translational stop signal has been observed in individual(s) with Kartagener syndrome (PMID: 31443223). ClinVar contains an entry for this variant (Variation ID: 1452767). For these reasons, this variant has been classified as Pathogenic.

Fulgent Genetics
Classification: Likely pathogenic for Primary ciliary dyskinesia 3. Last evaluated: 2024-04-11. Review status: criteria provided, single submitter. Criteria: ACMG Guidelines, 2015. Collection method: clinical testing. Allele origin: germline.

Literature cited by the submitters: PubMed 11788826 (cited by Labcorp Genetics (formerly Invitae), Labcorp); PubMed 16627867 (cited by Labcorp Genetics (formerly Invitae), Labcorp); PubMed 31443223 (cited by Labcorp Genetics (formerly Invitae), Labcorp).

NM_001369.3(DNAH5):c.5999dup (p.Tyr2000Ter)

Gene: DNAH5 (dynein axonemal heavy chain 5; minus strand). Cytogenetic location: 5p15.2.
Variant type: Duplication.
Coding change: c.5999dup on transcript NM_001369.3 (MANE Select); coding-DNA position 5999, one base duplicated (A; older notation c.5999dupA).
Protein change: p.Tyr2000Ter; replaces tyrosine 2000 with a stop codon.
Molecular consequence: nonsense.
Genome position (GRCh38, 1-based): chr5:13,830,659, T duplicated on the plus strand (A on the coding strand, the reverse complement: DNAH5 is on the minus strand). VCF-style (leftmost placement, unchanged base first): chr5-13830658-G-GT. GRCh37 (hg19) VCF-style: chr5-13830767-G-GT.
Other names: short protein forms Y2000*.
Identifiers: ClinVar variation 1452767 (VCV001452767.7), dbSNP rs1372787085, ClinGen allele CA804510871.